The following is an entry in ClinVar:

NM_024740.2(ALG9):c.1383C>T (p.Thr461=)

Gene: ALG9 (ALG9 alpha-1,2-mannosyltransferase; minus strand). Cytogenetic location: 11q23.1.
Variant type: single nucleotide variant.
Coding change: c.1383C>T on transcript NM_024740.2 (MANE Select); coding-DNA position 1383, C replaced by T.
Protein change: p.Thr461=; no amino-acid change (threonine 461 retained).
Molecular consequence: synonymous variant. On other transcripts: non-coding transcript variant (1).
Genome position (GRCh38, 1-based): chr11:111,837,557, G>A on the plus strand (C>T on the coding strand, the complement: ALG9 is on the minus strand). VCF-style: chr11-111837557-G-A. GRCh37 (hg19) VCF-style: chr11-111708280-G-A.
Other names: p.Thr461=; c.1362C>T, p.Thr454= (NM_001077690.1, NM_001352417.1); c.870C>T, p.Thr290= (NM_001077691.2, NM_001352413.1, NM_001352414.2 and 1 more transcripts); c.849C>T, p.Thr283= (NM_001077692.2, NM_001352409.1, NM_001352410.1 and 6 more transcripts); c.1239C>T, p.Thr413= (NM_001352418.1); c.774C>T, p.Thr258= (NM_001352422.2); c.726C>T, p.Thr242= (NM_001352423.2).
Identifiers: ClinVar variation 380142 (VCV000380142.57), dbSNP rs45516107, ClinGen allele CA6274434.
Genomic context (GRCh38, chr11:111,837,557, plus strand): 5'-TCGATACCACTCTTTTCCCACACAGACATTCACAGGTCTGCCTTCTGGGACAGTGTGGAT[G>A]GTTGGGTCTGTAGCAATTCGGTAAAATTCTGGATACAAATCAAGGGGCCCGTGATATCCT-3'
Protein context (NP_079016.2, residues 451-471): PEFYRIATDP[Thr461=]IHTVPEGRPV

ClinVar aggregate classification (germline): Conflicting classifications of pathogenicity. Review status: criteria provided, conflicting classifications (1 of 4 stars). 9 submissions from 9 submitters: Uncertain significance (1); Benign (5); Likely benign (1). 2 of the submissions do not count toward it. Last evaluated 2026-07-01.

Conditions:
ALG9-related disorder. Also called: ALG9-related condition.
ALG9 congenital disorder of glycosylation (CDG1L). Also called: ALG9-CDG; CDG Il; CONGENITAL DISORDER OF GLYCOSYLATION, TYPE Il. Identifiers: Orphanet 79328, MedGen C2931006, MONDO:0012117, OMIM 608776.

Allele frequency attached by ClinVar (database versions not stated): 1000 Genomes Project 30x 0.00219; gnomAD 0.00545 and 0.00530; ExAC 0.00564; TOPMed 0.00569; ESP Exome Variant Server 0.00593; gnomAD exomes 0.00929 and 0.00535; 1000 Genomes Project 0.00220.
gnomAD v4.1: 14,266 of 1,614,154 alleles (0.88%); highest among the groups gnomAD compares: Non-Finnish European, 1.1%; 85 homozygotes.

Submissions (9):

CeGaT Center for Human Genetics Tuebingen
Classification: Benign. Last evaluated: 2026-07-01. Review status: criteria provided, single submitter. Criteria: CeGaT Center For Human Genetics Tuebingen Variant Classification Criteria Version 2. Collection method: clinical testing. Allele origin: germline. Affected: yes. Observed: 12 variant alleles.
Comment: ALG9: BP4, BP7, BS1, BS2

Labcorp Genetics (formerly Invitae), Labcorp
Classification: Benign for ALG9 congenital disorder of glycosylation. Last evaluated: 2026-01-27. Review status: criteria provided, single submitter. Criteria: Invitae Variant Classification Sherloc (09022015). Collection method: clinical testing. Allele origin: germline.

Mayo Clinic Laboratories, Mayo Clinic
Classification: Likely benign. Last evaluated: 2025-08-10. Review status: criteria provided, single submitter. Criteria: ACMG Guidelines, 2015. Collection method: clinical testing. Allele origin: germline. Observed: 7 variant alleles.
Comment: BS2, BP4, BP7

ARUP Laboratories, Molecular Genetics and Genomics, ARUP Laboratories
Classification: Benign. Last evaluated: 2025-04-16. Review status: criteria provided, single submitter. Criteria: ARUP Molecular Germline Variant Investigation Process 2024. Collection method: clinical testing. Allele origin: germline.

GeneDx
Classification: Benign. Last evaluated: 2021-02-01. Review status: criteria provided, single submitter. Criteria: GeneDx Variant Classification Process June 2021. Collection method: clinical testing. Allele origin: germline. Affected: yes.

Center for Pediatric Genomic Medicine, Children's Mercy Hospital and Clinics
Classification: Uncertain significance. Last evaluated: 2017-04-10. Review status: criteria provided, single submitter. Criteria: ACMG Guidelines, 2015. Collection method: clinical testing. Allele origin: germline.

Eurofins Ntd Llc (ga)
Classification: Benign. Last evaluated: 2017-03-13. Review status: criteria provided, single submitter. Criteria: EGL Classification Definitions 2015. Collection method: clinical testing. Allele origin: germline. Observed: 1 variant allele, 1 heterozygote.

PreventionGenetics, part of Exact Sciences
Classification: Benign for ALG9-related condition. Last evaluated: 2023-11-16. Review status: no assertion criteria provided. Collection method: clinical testing. Allele origin: germline. Not counted in ClinVar's aggregate classification.
Comment: This variant is classified as benign based on ACMG/AMP sequence variant interpretation guidelines (Richards et al. 2015 PMID: 25741868, with internal and published modifications).

Genetic Services Laboratory, University of Chicago
Classification: Benign. Last evaluated: 2022-09-14. Review status: no assertion criteria provided. Collection method: clinical testing. Allele origin: germline. Affected: no. Not counted in ClinVar's aggregate classification.